The following is an entry in ClinVar:

NM_178857.6(RP1L1):c.254G>A (p.Arg85Gln)

Gene: RP1L1 (RP1 like 1). Cytogenetic location: 8p23.1.
Variant type: single nucleotide variant.
Coding change: c.254G>A on transcript NM_178857.6 (MANE Select); coding-DNA position 254, G replaced by A.
Protein change: p.Arg85Gln; replaces arginine 85 with glutamine.
Molecular consequence: missense variant.
Genome position (GRCh38, 1-based): chr8:10,622,948, C>T on the plus strand (G>A on the coding strand, the complement: RP1L1 is on the minus strand). VCF-style: chr8-10622948-C-T. GRCh37 (hg19) VCF-style: chr8-10480458-C-T.
Other names: c.254G>A (NM_178857.5); short protein forms R85Q.
Identifiers: ClinVar variation 2979528 (VCV002979528.5), dbSNP rs371272609, ClinGen allele CA4625791.

ClinVar aggregate classification (germline): Uncertain significance. Review status: criteria provided, multiple submitters, no conflicts (2 of 4 stars). 3 submissions from 3 submitters: Uncertain significance (3). Last evaluated 2025-12-29.

Conditions:
Inborn genetic diseases. Identifiers: MedGen C0950123, MeSH D030342.

Allele frequency attached by ClinVar (database versions not stated): TOPMed below 0.00001; gnomAD 0.00001; ExAC 0.00002; gnomAD exomes 0.00003; ESP Exome Variant Server 0.00008; 1000 Genomes Project 30x 0.00016; 1000 Genomes Project 0.00020.
gnomAD v4.1: 38 of 1,614,048 alleles (0.0024%); highest among the groups gnomAD compares: South Asian, 0.0055%; no homozygotes.

Submissions (3):

Labcorp Genetics (formerly Invitae), Labcorp
Classification: Uncertain significance. Last evaluated: 2025-12-29. Review status: criteria provided, single submitter. Criteria: Invitae Variant Classification Sherloc (09022015). Collection method: clinical testing. Allele origin: germline.
Comment: This sequence change replaces arginine, which is basic and polar, with glutamine, which is neutral and polar, at codon 85 of the RP1L1 protein (p.Arg85Gln). This variant is present in population databases (rs371272609, gnomAD 0.007%). This variant has not been reported in the literature in individuals affected with RP1L1-related conditions. ClinVar contains an entry for this variant (Variation ID: 2979528). Invitae Evidence Modeling of protein sequence and biophysical properties (such as structural, functional, and spatial information, amino acid conservation, physicochemical variation, residue mobility, and thermodynamic stability) indicates that this missense variant is not expected to disrupt RP1L1 protein function with a negative predictive value of 80%. In summary, the available evidence is currently insufficient to determine the role of this variant in disease. Therefore, it has been classified as a Variant of Uncertain Significance.

Ambry Genetics
Classification: Uncertain significance for Inborn genetic diseases. Last evaluated: 2025-02-19. Review status: criteria provided, single submitter. Criteria: Ambry Variant Classification Scheme 2023. Collection method: clinical testing. Allele origin: germline.

Blueprint Genetics
Classification: Uncertain significance. Last evaluated: 2022-10-25. Review status: criteria provided, single submitter. Criteria: ACMG Guidelines, 2015. Collection method: clinical testing. Allele origin: germline.